The following is an entry in ClinVar:

NM_000138.5(FBN1):c.4643C>G (p.Ala1548Gly)

Gene: FBN1 (fibrillin 1; minus strand). Cytogenetic location: 15q21.1.
Variant type: single nucleotide variant.
Coding change: c.4643C>G on transcript NM_000138.5 (MANE Select); coding-DNA position 4643, C replaced by G.
Protein change: p.Ala1548Gly; replaces alanine 1548 with glycine.
Molecular consequence: missense variant.
Genome position (GRCh38, 1-based): chr15:48,468,042, G>C on the plus strand (C>G on the coding strand, the complement: FBN1 is on the minus strand). VCF-style: chr15-48468042-G-C. GRCh37 (hg19) VCF-style: chr15-48760239-G-C.
Other names: short protein forms A1548G.
Identifiers: ClinVar variation 1332533 (VCV001332533.3), dbSNP rs2141272405, ClinGen allele CA392353064.

ClinVar aggregate classification (germline): Uncertain significance (1 of 4 stars; one submission).

Conditions:
Familial thoracic aortic aneurysm and aortic dissection (TAAD). Also called: Thoracic aortic aneurysms and dissections. Identifiers: Orphanet 91387, MedGen C4707243, MONDO:0019625.

Submission:

Color Diagnostics, LLC DBA Color Health
Classification: Uncertain significance for Familial thoracic aortic aneurysm and aortic dissection. Last evaluated: 2024-03-06. Review status: criteria provided, single submitter. Criteria: ACMG Guidelines, 2015. Collection method: clinical testing. Allele origin: germline.
Comment: This missense variant replaces alanine with glycine at codon 1548 of the FBN1 protein. Computational prediction suggests that this variant may not impact protein structure and function (internally defined REVEL score threshold <= 0.5, PMID: 27666373). To our knowledge, functional studies have not been reported for this variant. This variant has not been reported in individuals affected with cardiovascular disorders in the literature. This variant has not been identified in the general population by the Genome Aggregation Database (gnomAD). The available evidence is insufficient to determine the role of this variant in disease conclusively. Therefore, this variant is classified as a Variant of Uncertain Significance.